The following is an entry in ClinVar:

ClinVar aggregate classification (germline): Uncertain significance (1 of 4 stars; one submission).

Submission:

CeGaT Center for Human Genetics Tuebingen
Classification: Uncertain significance. Last evaluated: 2024-06-01. Review status: criteria provided, single submitter. Criteria: CeGaT Center For Human Genetics Tuebingen Variant Classification Criteria Version 2. Collection method: clinical testing. Allele origin: germline. Affected: yes. Observed: 1 variant allele.
Comment: SETD1B: PM2, PP2, BP4

NM_001353345.2(SETD1B):c.3457A>T (p.Thr1153Ser)

Gene: SETD1B (SET domain containing 1B, histone lysine methyltransferase; plus strand). Cytogenetic location: 12q24.31.
Variant type: single nucleotide variant.
Coding change: c.3457A>T on transcript NM_001353345.2 (MANE Select); coding-DNA position 3457, A replaced by T.
Protein change: p.Thr1153Ser; replaces threonine 1153 with serine.
Molecular consequence: missense variant.
Genome position (GRCh38, 1-based): chr12:121,819,442, A>T. VCF-style: chr12-121819442-A-T. GRCh37 (hg19) VCF-style: chr12-122257348-A-T.
Other names: short protein forms T1153S.
Identifiers: ClinVar variation 3250987 (VCV003250987.18), dbSNP rs2500220406.